The following is an entry in ClinVar:

ClinVar aggregate classification (germline): Uncertain significance (1 of 4 stars; one submission).

Conditions:
Hereditary cancer-predisposing syndrome. Also called: Neoplastic Syndromes, Hereditary; Tumor predisposition; Hereditary Cancer Syndrome; Hereditary neoplastic syndrome. Identifiers: Orphanet 140162, MedGen C0027672, MeSH D009386, MONDO:0015356.

Submission:

Ambry Genetics
Classification: Uncertain significance for Hereditary cancer-predisposing syndrome. Last evaluated: 2025-07-09. Review status: criteria provided, single submitter. Criteria: Ambry Variant Classification Scheme 2023. Collection method: clinical testing. Allele origin: germline.
Comment: The p.S7R variant (also known as c.19A>C), located in coding exon 1 of the SMARCB1 gene, results from an A to C substitution at nucleotide position 19. The serine at codon 7 is replaced by arginine, an amino acid with dissimilar properties. This amino acid position is highly conserved in available vertebrate species. In addition, the in silico prediction for this alteration is inconclusive. Based on the available evidence, the clinical significance of this variant remains unclear.

NM_003073.5(SMARCB1):c.19A>C (p.Ser7Arg)

Gene: SMARCB1 (SWI/SNF related BAF chromatin remodeling complex subunit B1; plus strand). Cytogenetic location: 22q11.23.
Variant type: single nucleotide variant.
Coding change: c.19A>C on transcript NM_003073.5 (MANE Select); coding-DNA position 19, A replaced by C.
Protein change: p.Ser7Arg; replaces serine 7 with arginine.
Molecular consequence: missense variant.
Genome position (GRCh38, 1-based): chr22:23,787,188, A>C. VCF-style: chr22-23787188-A-C. GRCh37 (hg19) VCF-style: chr22-24129375-A-C.
Other names: c.19A>C, p.Ser7Arg (NM_001007468.3, NM_001317946.2, NM_001362877.2); short protein forms S7R.
Identifiers: ClinVar variation 4170234 (VCV004170234.1).
Genomic context (GRCh38, chr22:23,787,188, plus strand): 5'-TCCCTCGCAGCCCGGCTCCGGCCGCCCGCCTCTGCCGCCGCAATGATGATGATGGCGCTG[A>C]GCAAGACCTTCGGGCAGAAGCCCGTGAAGTTCCAGCTGGAGGACGACGGCGAGTTCTACA-3'
Protein context (NP_003064.2, residues 1-17): MMMMAL[Ser7Arg]KTFGQKPVKF